The following is an entry in ClinVar:

NM_000142.5(FGFR3):c.931-717G>A

Gene: FGFR3 (fibroblast growth factor receptor 3; plus strand). Cytogenetic location: 4p16.3.
Variant type: single nucleotide variant.
Coding change: c.931-717G>A on transcript NM_000142.5 (MANE Select); 717 bases into the intron before coding-DNA position 931, G replaced by A.
Molecular consequence: intron variant. On other transcripts: missense variant (1), non-coding transcript variant (1).
Genome position (GRCh38, 1-based): chr4:1,802,975, G>A. VCF-style: chr4-1802975-G-A. GRCh37 (hg19) VCF-style: chr4-1804702-G-A.
Other names: c.992G>A, p.Arg331Gln (NM_001163213.2); c.931-717G>A (NM_001354809.2, NM_001354810.2); c.930+950G>A (NM_022965.4); short protein forms R331Q.
Identifiers: ClinVar variation 4857835 (VCV004857835.1).
Genomic context (GRCh38, chr4:1,802,975, plus strand): 5'-CCTGGATCAGTGAGAGTGTGGAGGCCGACGTGCGCCTCCGCCTGGCCAATGTGTCGGAGC[G>A]GGACGGGGGCGAGTACCTCTGTCGAGCCACCAATTTCATAGGCGTGGCCGAGAAGGCCTT-3'

ClinVar aggregate classification (germline): Likely benign (1 of 4 stars; one submission).

Conditions:
FGFR3-related chondrodysplasia. Identifiers: Orphanet 93420, MedGen C5681604, MONDO:0019685.

gnomAD v4.1: 30 of 1,601,258 alleles (0.0019%); highest among the groups gnomAD compares: South Asian, 0.021%; 1 homozygote.

Submission:

Genomenon, Inc
Classification: Likely benign for FGFR3-related chondrodysplasia. Last evaluated: 2026-06-23. Review status: criteria provided, single submitter. Criteria: Genomenon Sequence Variant Interpretation Standards - Updated. Collection method: curation. Allele origin: germline. Affected: no.
Comment: FGFR3 c.931-717G>A is an intronic variant located in intron 7. This variant has been reported in the published literature (PMID:34849273). It is absent or not present at a significant frequency in gnomAD. This variant is not predicted to impact splicing. In conclusion, we classify FGFR3 c.931-717G>A as a likely benign variant.

Literature cited by the submitters: PubMed 34849273.